The following is an entry in ClinVar:

ClinVar aggregate classification (germline): Uncertain significance (1 of 4 stars; one submission).

Conditions:
PKD1-related disorder. Also called: PKD1-related condition.

Submission:

PreventionGenetics, part of Exact Sciences
Classification: Uncertain significance for PKD1-related condition. Last evaluated: 2026-06-02. Review status: criteria provided, single submitter. Criteria: ACMG Guidelines, 2015. Collection method: clinical testing. Allele origin: germline.
Comment: The PKD1 c.12707T>G variant is predicted to result in the amino acid substitution p.Val4236Gly. To our knowledge, this variant has not been reported in the literature or in a large population database (gnomAD), indicating this variant is rare. At this time, the clinical significance of this variant is uncertain due to the absence of conclusive functional and genetic evidence.

NM_001009944.3(PKD1):c.12707T>G (p.Val4236Gly)

Gene: PKD1 (polycystin 1, transient receptor potential channel interacting; minus strand). Cytogenetic location: 16p13.3.
Variant type: single nucleotide variant.
Coding change: c.12707T>G on transcript NM_001009944.3 (MANE Select); coding-DNA position 12707, T replaced by G.
Protein change: p.Val4236Gly; replaces valine 4236 with glycine.
Molecular consequence: missense variant.
Genome position (GRCh38, 1-based): chr16:2,089,932, A>C on the plus strand (T>G on the coding strand, the complement: PKD1 is on the minus strand). VCF-style: chr16-2089932-A-C. GRCh37 (hg19) VCF-style: chr16-2139933-A-C.
Other names: c.12704T>G, p.Val4235Gly (NM_000296.4); short protein forms V4235G, V4236G.
Identifiers: ClinVar variation 3348474 (VCV003348474.2).
Genomic context (GRCh38, chr16:2,089,932, plus strand): 5'-GCGGGCGCCCGGCTGCTCCTGCGGCCTTGCAGGCTGTGCAGCTGCTGCTCCAGCTGGTAG[A>C]CGTCCTCTGTGGCCTGGTTGAGTCGGTCAAACTGGGTGAGCAGGGCCTCGAACACGGCTT-3'
Protein context (NP_001009944.3, residues 4226-4246): FDRLNQATED[Val4236Gly]YQLEQQLHSL